The following is an entry in ClinVar:

NM_012448.4(STAT5B):c.2299C>T (p.Arg767Trp)

Gene: STAT5B (signal transducer and activator of transcription 5B; minus strand). Cytogenetic location: 17q21.2.
Variant type: single nucleotide variant.
Coding change: c.2299C>T on transcript NM_012448.4 (MANE Select); coding-DNA position 2299, C replaced by T.
Protein change: p.Arg767Trp; replaces arginine 767 with tryptophan.
Molecular consequence: missense variant.
Genome position (GRCh38, 1-based): chr17:42,201,803, G>A on the plus strand (C>T on the coding strand, the complement: STAT5B is on the minus strand). VCF-style: chr17-42201803-G-A. GRCh37 (hg19) VCF-style: chr17-40353821-G-A.
Other names: short protein forms R767W.
Identifiers: ClinVar variation 2907801 (VCV002907801.3), dbSNP rs1177305205, ClinGen allele CA399572566.

ClinVar aggregate classification (germline): Uncertain significance (1 of 4 stars; one submission).

Conditions:
Growth hormone insensitivity with immune dysregulation 1, autosomal recessive. Also called: GROWTH HORMONE INSENSITIVITY SYNDROME WITH IMMUNE DYSREGULATION 1, AUTOSOMAL RECESSIVE; Laron syndrome with immunodeficiency; GROWTH HORMONE INSENSITIVITY DUE TO POSTRECEPTOR DEFECT; LARON SYNDROME DUE TO POSTRECEPTOR DEFECT. Identifiers: Orphanet 220465, MedGen C5435698, MONDO:0100211, OMIM 245590.

Allele frequency attached by ClinVar (database versions not stated): gnomAD exomes below 0.00001; TOPMed below 0.00001.
gnomAD v4.1: 1 of 1,614,084 alleles (0.000062%); highest among the groups gnomAD compares: Non-Finnish European, 0.000085%; no homozygotes.

Submission:

Labcorp Genetics (formerly Invitae), Labcorp
Classification: Uncertain significance for Growth hormone insensitivity with immune dysregulation 1, autosomal recessive. Last evaluated: 2023-05-09. Review status: criteria provided, single submitter. Criteria: Invitae Variant Classification Sherloc (09022015). Collection method: clinical testing. Allele origin: germline.
Comment: This sequence change replaces arginine, which is basic and polar, with tryptophan, which is neutral and slightly polar, at codon 767 of the STAT5B protein (p.Arg767Trp). This variant is present in population databases (no rsID available, gnomAD 0.003%). This variant has not been reported in the literature in individuals affected with STAT5B-related conditions. An algorithm developed to predict the effect of missense changes on protein structure and function (PolyPhen-2) suggests that this variant is likely to be disruptive. In summary, the available evidence is currently insufficient to determine the role of this variant in disease. Therefore, it has been classified as a Variant of Uncertain Significance.